The following is an entry in ClinVar:

ClinVar aggregate classification (germline): Uncertain significance. Review status: criteria provided, multiple submitters, no conflicts (2 of 4 stars). 2 submissions from 2 submitters: Uncertain significance (2). Last evaluated 2023-12-04.

Conditions:
Catecholaminergic polymorphic ventricular tachycardia (CVPT). Also called: Catecholamine-induced polymorphic ventricular tachycardia. Identifiers: Orphanet 3286, MedGen C5574922, MONDO:0017990.
Cardiomyopathy (CMYO). Also called: Cardiomyopathies. Identifiers: Orphanet 167848, MedGen C0878544, MONDO:0004994, HP:0001638. Inheritance: Various modes of inheritance.

Allele frequency attached by ClinVar (database versions not stated): gnomAD exomes below 0.00001.
gnomAD v4.1: 2 of 1,604,254 alleles (0.00012%); highest among the groups gnomAD compares: Non-Finnish European, 0.00017%; no homozygotes.

Submissions (2):

Color Diagnostics, LLC DBA Color Health
Classification: Uncertain significance for Cardiomyopathy. Last evaluated: 2023-12-04. Review status: criteria provided, single submitter. Criteria: ACMG Guidelines, 2015. Collection method: clinical testing. Allele origin: germline.
Comment: Variant of Uncertain Significance due to insufficient evidence: This missense variant is located in the cytoplasmic domain of the RYR2 protein. Computational prediction tools and conservation analyses are inconclusive regarding the impact of this variant on the protein function. Computational splicing tools suggest that this variant may not impact RNA splicing. To our knowledge, functional assays have not been performed for this variant nor has this variant been reported in individuals affected with cardiovascular disorders in the literature. This variant is rare in the general population and has been identified in 0/277264 chromosomes by the Genome Aggregation Database (gnomAD). Available evidence is insufficient to determine the pathogenicity of this variant conclusively.

All of Us Research Program, National Institutes of Health
Classification: Uncertain significance for Catecholaminergic polymorphic ventricular tachycardia. Last evaluated: 2023-05-08. Review status: criteria provided, single submitter. Criteria: ACMG Guidelines, 2015. Collection method: clinical testing. Allele origin: germline. Inheritance: Autosomal dominant inheritance. Observed: 1 variant allele, 1 heterozygote.
Comment: Variant of Uncertain Significance due to insufficient evidence: This missense variant is located in the cytoplasmic domain of the RYR2 protein. Computational prediction tools and conservation analyses are inconclusive regarding the impact of this variant on the protein function. Computational splicing tools suggest that this variant may not impact RNA splicing. To our knowledge, functional assays have not been performed for this variant nor has this variant been reported in individuals affected with cardiovascular disorders in the literature. This variant is rare in the general population and has been identified in 0/277264 chromosomes by the Genome Aggregation Database (gnomAD). Available evidence is insufficient to determine the pathogenicity of this variant conclusively.

This study involves interpretation of variants in research participants for the purpose of population health screening. Participant phenotype was not available at the time of variant classification. Additional details can be found in publication PMID: 35346344, PMCID: PMC8962531

NM_001035.3(RYR2):c.2890A>C (p.Met964Leu)

Gene: RYR2 (ryanodine receptor 2; plus strand). Cytogenetic location: 1q43.
Variant type: single nucleotide variant.
Coding change: c.2890A>C on transcript NM_001035.3 (MANE Select); coding-DNA position 2890, A replaced by C.
Protein change: p.Met964Leu; replaces methionine 964 with leucine.
Molecular consequence: missense variant.
Genome position (GRCh38, 1-based): chr1:237,530,494, A>C. VCF-style: chr1-237530494-A-C. GRCh37 (hg19) VCF-style: chr1-237693794-A-C.
Other names: c.2890A>C, p.Met964Leu (LRG_402t1); short protein forms M964L.
Identifiers: ClinVar variation 629664 (VCV000629664.5), dbSNP rs1362839960, ClinGen allele CA345388196.
Genomic context (GRCh38, chr1:237,530,494, plus strand): 5'-TTGGCATTAGGATGTCATGTGGGTATATCAGATGAACATGCTGAAGACAAGGTGAAAAAA[A>C]TGAAGCTACCCAAGAAGTAAGTTGAATGACTAAGCAATATTAAATAATCTGTGTAGAGAT-3'
Protein context (NP_001026.2, residues 954-974): DEHAEDKVKK[Met964Leu]KLPKNYQLTS